The following is an entry in ClinVar:

NM_021942.6(TRAPPC11):c.1192C>T (p.Arg398Ter)

Gene: TRAPPC11 (trafficking protein particle complex subunit 11; plus strand). Cytogenetic location: 4q35.1.
Variant type: single nucleotide variant.
Coding change: c.1192C>T on transcript NM_021942.6 (MANE Select); coding-DNA position 1192, C replaced by T.
Protein change: p.Arg398Ter; replaces arginine 398 with a stop codon.
Molecular consequence: nonsense.
Genome position (GRCh38, 1-based): chr4:183,682,810, C>T. VCF-style: chr4-183682810-C-T. GRCh37 (hg19) VCF-style: chr4-184603963-C-T.
Other names: c.1192C>T, p.Arg398Ter (NM_199053.3); short protein forms R398*.
Identifiers: ClinVar variation 474342 (VCV000474342.13), dbSNP rs140403642, ClinGen allele CA3151816.

ClinVar aggregate classification (germline): Pathogenic/Likely pathogenic. Review status: criteria provided, multiple submitters, no conflicts (2 of 4 stars). 3 submissions from 3 submitters: Pathogenic (2); Likely pathogenic (1). Last evaluated 2025-12-24.

Conditions:
Autosomal recessive limb-girdle muscular dystrophy type R18 (LGMDR18). Also called: Limb-girdle muscular dystrophy, type 2S; MUSCULAR DYSTROPHY, LIMB-GIRDLE, AUTOSOMAL RECESSIVE 18; Autosomal recessive limb-girdle muscular dystrophy type 2S. Identifiers: Orphanet 369840, MedGen C4517996, MONDO:0014144, OMIM 615356.
Limb-girdle muscular dystrophy (LGMD). Also called: Muscular Dystrophies, Limb-Girdle. Identifiers: Orphanet 263, MedGen C0686353, MeSH D049288, MONDO:0016971, HP:0006785.

Allele frequency attached by ClinVar (database versions not stated): gnomAD exomes 0.00001 and 0.00007; TOPMed 0.00002; gnomAD 0.00003; ExAC 0.00004; ESP Exome Variant Server 0.00008.
gnomAD v4.1: 102 of 1,611,786 alleles (0.0063%); highest among the groups gnomAD compares: Non-Finnish European, 0.0081%; no homozygotes.

Submissions (4):

Labcorp Genetics (formerly Invitae), Labcorp
Classification: Pathogenic for Autosomal recessive limb-girdle muscular dystrophy type R18. Last evaluated: 2025-12-24. Review status: criteria provided, single submitter. Criteria: Invitae Variant Classification Sherloc (09022015). Collection method: clinical testing. Allele origin: germline.
Comment: This sequence change creates a premature translational stop signal (p.Arg398*) in the TRAPPC11 gene. It is expected to result in an absent or disrupted protein product. Loss-of-function variants in TRAPPC11 are known to be pathogenic (PMID: 23830518, 26322222). This variant is present in population databases (rs140403642, gnomAD 0.004%). This premature translational stop signal has been observed in individual(s) with limb-girdle muscular dystrophy (PMID: 30105108). It has also been observed to segregate with disease in related individuals. ClinVar contains an entry for this variant (Variation ID: 474342). Algorithms developed to predict the effect of sequence changes on RNA splicing suggest that this variant may disrupt the consensus splice site. For these reasons, this variant has been classified as Pathogenic.

GeneDx
Classification: Pathogenic. Last evaluated: 2024-08-09. Review status: criteria provided, single submitter. Criteria: GeneDx Variant Classification Process June 2021. Collection method: clinical testing. Allele origin: germline. Affected: yes.
Comment: Nonsense variant predicted to result in protein truncation or nonsense mediated decay in a gene for which loss of function is a known mechanism of disease; Not observed at significant frequency in large population cohorts (gnomAD); This variant is associated with the following publications: (PMID: 30152084, akan2022[CaseReport], 30105108)

Laboratory for Molecular Medicine, Mass General Brigham Personalized Medicine
Classification: Likely pathogenic for Limb-girdle muscular dystrophy. Last evaluated: 2018-07-12. Review status: criteria provided, single submitter. Criteria: LMM Criteria. Collection method: clinical testing. Allele origin: germline. Observed: 1 variant allele.
Comment: The p.Arg398X variant in TRAPPC11 has not been previously reported in literature but has been reported in ClinVar (Variation ID#474342). This variant has been i dentified in 0.004% (5/126674) of European chromosomes by the Genome Aggregation Database (gnomAD; dbSNP rs140403642). Althoug h this variant has been seen in the general population, its frequency is low eno ugh to be consistent with a recessive carrier frequency. This nonsense variant l eads to a premature termination codon at position 398 which is predicted to lead to a truncated or absent protein. Biallelic variants in TRAPPC11 resulting in a truncated or absent protein have been reported in several patients with limb-gi rdle muscular dystrophy type 2S (Liang 2015, Koehler 2017). In summary, although additional studies are required to fully establish its clinical significance, t he p.Arg398X variant is likely pathogenic. ACMG/AMP Criteria applied: PM2, PVS1.

Dr. Peter K. Rogan Lab, Western University
No classification provided (evidence only). Condition: Colon adenocarcinoma. Review status: no classification provided. Collection method: in vitro. Allele origin: not applicable. Functional consequence: skipped exon. Not counted in ClinVar's aggregate classification.

Literature cited by the submitters: PubMed 23830518 (cited by Labcorp Genetics (formerly Invitae), Labcorp); PubMed 26322222 (cited by Labcorp Genetics (formerly Invitae), Labcorp and Laboratory for Molecular Medicine, Mass General Brigham Personalized Medicine); PubMed 30105108 (cited by Labcorp Genetics (formerly Invitae), Labcorp); PubMed 27707803 (cited by Laboratory for Molecular Medicine, Mass General Brigham Personalized Medicine).